The following is an entry in ClinVar:

ClinVar aggregate classification (germline): Likely pathogenic (1 of 4 stars; one submission).

Conditions:
CC2D2A-related disorder. Also called: CC2D2A-related condition; CC2D2A-related disorders. Identifiers: MedGen CN239313.

gnomAD v4.1: 1 of 1,610,952 alleles (0.000062%); highest among the groups gnomAD compares: Non-Finnish European, 0.000085%; no homozygotes.

Submission:

PreventionGenetics, part of Exact Sciences
Classification: Likely pathogenic for CC2D2A-related condition. Last evaluated: 2026-07-14. Review status: criteria provided, single submitter. Criteria: ACMG Guidelines, 2015. Collection method: clinical testing. Allele origin: germline.
Comment: The CC2D2A c.3182+2T>C variant is predicted to disrupt the GT donor site and interfere with normal splicing. This variant has been reported in a cohort of individuals with Joubert syndrome and indicated in the compound heterozygous state (supplemental material, Harion et al. 2023. PubMed ID: 36319078). This variant has not been reported in a large population database (gnomAD), indicating this variant is rare. Variants that disrupt the consensus splice donor site in CC2D2A are expected to be pathogenic. This variant is interpreted as likely pathogenic.

NM_001378615.1(CC2D2A):c.3182+2T>C

Genes: CC2D2A (coiled-coil and C2 domain containing 2A; plus strand), FBXL5 (F-box and leucine rich repeat protein 5; minus strand). Cytogenetic location: 4p15.32.
Variant type: single nucleotide variant.
Coding change: c.3182+2T>C on transcript NM_001378615.1 (MANE Select); the canonical splice donor site of the intron after coding-DNA position 3182, T replaced by C.
Molecular consequence: splice donor variant.
Genome position (GRCh38, 1-based): chr4:15,563,524, T>C. VCF-style: chr4-15563524-T-C. GRCh37 (hg19) VCF-style: chr4-15565147-T-C.
Other names: c.3182+2T>C (NM_001080522.2); c.3035+2T>C (NM_001378617.1).
Identifiers: ClinVar variation 4982979 (VCV004982979.1).